The following is an entry in ClinVar:

NM_004415.4(DSP):c.8508_8517delinsGTCCCGCAGT (p.Gly2836_Ser2839=)

Gene: DSP (desmoplakin; plus strand). Cytogenetic location: 6p24.3.
Variant type: Indel.
Coding change: c.8508_8517delinsGTCCCGCAGT on transcript NM_004415.4 (MANE Select); coding-DNA positions 8508 to 8517, ATCTCGCTCC replaced by GTCCCGCAGT.
Protein change: p.Gly2836_Ser2839=.
Molecular consequence: synonymous variant.
Genome position (GRCh38, 1-based): chr6:7,585,770-7,585,779, ATCTCGCTCC replaced by GTCCCGCAGT. VCF-style: chr6-7585770-ATCTCGCTCC-GTCCCGCAGT. GRCh37 (hg19) VCF-style: chr6-7586003-ATCTCGCTCC-GTCCCGCAGT.
Other names: c.6711_6720delinsGTCCCGCAGT, p.Gly2237_Ser2240= (NM_001008844.3); c.7179_7188delinsGTCCCGCAGT, p.Gly2393_Ser2396= (NM_001319034.2); c.8508_8517del10insGTCCCGCAGT (NM_004415.2).
Identifiers: ClinVar variation 626746 (VCV000626746.7), dbSNP rs1561706189, ClinGen allele CA913190060.

ClinVar aggregate classification (germline): Conflicting classifications of pathogenicity. Review status: criteria provided, conflicting classifications (1 of 4 stars). 4 submissions from 4 submitters: Uncertain significance (2); Likely benign (2). Last evaluated 2026-05-14.

Conditions:
Cardiovascular phenotype. Identifiers: MedGen CN230736.
Cardiomyopathy (CMYO). Also called: Cardiomyopathies. Identifiers: Orphanet 167848, MedGen C0878544, MONDO:0004994, HP:0001638. Inheritance: Various modes of inheritance.

Submissions (4):

Women's Health and Genetics/Laboratory Corporation of America, LabCorp
Classification: Likely benign. Last evaluated: 2026-05-14. Review status: criteria provided, single submitter. Criteria: LabCorp Variant Classification Summary - May 2015. Collection method: clinical testing. Allele origin: germline.
Comment: Variant summary: DSP c.8508_8517delins10 alters a conserved nucleotide resulting in a synonymous change. Consensus agreement among computation tools predict no significant impact on normal splicing. However, these predictions have yet to be confirmed by functional studies. The variant was absent in 1609118 control chromosomes. The available data on variant occurrences in the general population are insufficient to allow any conclusion about variant significance. To our knowledge, no occurrence of c.8508_8517delins10 in individuals affected with DSP-related conditions and no experimental evidence demonstrating its impact on protein function have been reported. ClinVar contains an entry for this variant (Variation ID: 626746). Based on the evidence outlined above, the variant was classified as likely benign.

Ambry Genetics
Classification: Uncertain significance for Cardiovascular phenotype. Last evaluated: 2026-02-18. Review status: criteria provided, single submitter. Criteria: Ambry Variant Classification Scheme 2023. Collection method: clinical testing. Allele origin: germline.
Comment: The c.8508_8517del10ins10 variant (also known as p.S2839S), located in coding exon 24 of the DSP gene, results from an in-frame deletion of ATCTCGCTCC and insertion of GTCCCGCAGT at nucleotide positions 8508 to 8517. This nucleotide substitution does not change the amino acid at codon 2839. This nucleotide region ranges from highly conserved to not well conserved in available vertebrate species. In silico splice site analysis predicts that this alteration will not have any significant effect on splicing. Based on the available evidence, the clinical significance of this variant remains unclear.

Color Diagnostics, LLC DBA Color Health
Classification: Likely benign for Cardiomyopathy. Last evaluated: 2020-03-05. Review status: criteria provided, single submitter. Criteria: ACMG Guidelines, 2015. Collection method: clinical testing. Allele origin: germline.

CHEO Genetics Diagnostic Laboratory, Children's Hospital of Eastern Ontario
Classification: Uncertain significance for Cardiomyopathy. Last evaluated: 2015-11-18. Review status: criteria provided, single submitter. Criteria: ACMG Guidelines, 2015. Collection method: clinical testing. Allele origin: germline. Study: Canadian Open Genetics Repository.